The following is an entry in ClinVar:

NM_004667.6(HERC2):c.9358C>T (p.Leu3120=)

Gene: HERC2 (HECT and RLD domain containing E3 ubiquitin protein ligase 2; minus strand). Cytogenetic location: 15q13.1.
Variant type: single nucleotide variant.
Coding change: c.9358C>T on transcript NM_004667.6 (MANE Select); coding-DNA position 9358, C replaced by T.
Protein change: p.Leu3120=; no amino-acid change (leucine 3120 retained).
Molecular consequence: synonymous variant.
Genome position (GRCh38, 1-based): chr15:28,177,024, G>A on the plus strand (C>T on the coding strand, the complement: HERC2 is on the minus strand). VCF-style: chr15-28177024-G-A. GRCh37 (hg19) VCF-style: chr15-28422170-G-A.
Identifiers: ClinVar variation 734479 (VCV000734479.38), dbSNP rs145759817, ClinGen allele CA7441178.
Genomic context (GRCh38, chr15:28,177,024, plus strand): 5'-GCTGTGTCGTATTATCCCCATGTCCCAGCCGGCCGTACTCGCCGAGGCCCCAGGTGTACA[G>A]TTCTCCGCTGGATGTGAGGGCTGCGCTGTGCGAGCTCCCACAGGCGATATCCCGGATACG-3'
Protein context (NP_004658.3, residues 3110-3130): HSAALTSSGE[Leu3120=]YTWGLGEYGR

ClinVar aggregate classification (germline): Likely benign. Review status: criteria provided, multiple submitters, no conflicts (2 of 4 stars). 2 submissions from 2 submitters: Likely benign (2). Last evaluated 2026-08-01.

Allele frequency attached by ClinVar (database versions not stated): gnomAD 0.00011; TOPMed 0.00012; ESP Exome Variant Server 0.00015; gnomAD exomes 0.00017 and 0.00018; ExAC 0.00020.
gnomAD v4.1: 260 of 1,614,056 alleles (0.016%); highest among the groups gnomAD compares: Non-Finnish European, 0.02%; no homozygotes.

Submissions (2):

CeGaT Center for Human Genetics Tuebingen
Classification: Likely benign. Last evaluated: 2026-08-01. Review status: criteria provided, single submitter. Criteria: CeGaT Center For Human Genetics Tuebingen Variant Classification Criteria Version 2. Collection method: clinical testing. Allele origin: germline. Affected: yes. Observed: 2 variant alleles.
Comment: HERC2: BP4, BP7

Labcorp Genetics (formerly Invitae), Labcorp
Classification: Likely benign. Last evaluated: 2019-12-31. Review status: criteria provided, single submitter. Criteria: Invitae Variant Classification Sherloc (09022015). Collection method: clinical testing. Allele origin: germline.